The following is an entry in ClinVar:

ClinVar aggregate classification (germline): Uncertain significance. Review status: criteria provided, multiple submitters, no conflicts (2 of 4 stars). 3 submissions from 3 submitters: Uncertain significance (3). Last evaluated 2026-03-23.

Conditions:
Glutamate formiminotransferase deficiency. Also called: Formiminoglutamic aciduria; Arakawa syndrome 1. Identifiers: Orphanet 51208, MedGen C0268609, MONDO:0009240, OMIM 229100.

Allele frequency attached by ClinVar (database versions not stated): ExAC 0.00049; gnomAD 0.00004 and 0.00003; TOPMed 0.00004; gnomAD exomes 0.00011 and 0.00009.
gnomAD v4.1: 161 of 1,564,516 alleles (0.01%); highest among the groups gnomAD compares: Middle Eastern, 0.036%; no homozygotes.

Submissions (3):

GeneDx
Classification: Uncertain significance. Last evaluated: 2026-03-23. Review status: criteria provided, single submitter. Criteria: GeneDx Variant Classification Process June 2021. Collection method: clinical testing. Allele origin: germline.
Comment: In silico analysis supports that this missense variant has a deleterious effect on protein structure/function; Has not been previously published as pathogenic or benign to our knowledge

Labcorp Genetics (formerly Invitae), Labcorp
Classification: Uncertain significance for Glutamate formiminotransferase deficiency. Last evaluated: 2023-07-03. Review status: criteria provided, single submitter. Criteria: Invitae Variant Classification Sherloc (09022015). Collection method: clinical testing. Allele origin: germline.
Comment: In summary, the available evidence is currently insufficient to determine the role of this variant in disease. Therefore, it has been classified as a Variant of Uncertain Significance. Algorithms developed to predict the effect of sequence changes on RNA splicing suggest that this variant may disrupt the consensus splice site. Advanced modeling of protein sequence and biophysical properties (such as structural, functional, and spatial information, amino acid conservation, physicochemical variation, residue mobility, and thermodynamic stability) performed at Invitae indicates that this missense variant is expected to disrupt FTCD protein function. ClinVar contains an entry for this variant (Variation ID: 459968). This variant has not been reported in the literature in individuals affected with FTCD-related conditions. This variant is present in population databases (rs754659947, gnomAD 0.02%). This sequence change replaces glutamic acid, which is acidic and polar, with lysine, which is basic and polar, at codon 147 of the FTCD protein (p.Glu147Lys).

Victorian Clinical Genetics Services, Murdoch Childrens Research Institute
Classification: Uncertain significance for Glutamate formiminotransferase deficiency. Last evaluated: 2020-10-15. Review status: criteria provided, single submitter. Criteria: ACMG Guidelines, 2015. Collection method: clinical testing. Allele origin: germline. Inheritance: Autosomal recessive inheritance. Affected: yes.
Comment: Based on the classification scheme VCGS_Germline_v0.6.1, this variant is classified as 3B-VUS. Following criteria are met: 0105 - Mechanism of disease for this gene is unknown. 0106 - This gene is known to be associated with autosomal recessive disease. 0200 - Variant is predicted to result in a missense amino acid change from glutamic acid to lysine (exon 4). 0304 - Variant is present in gnomAD <0.01 for recessive indication (18 heterozygotes, 0 homozygotes). 0501 - Missense variant consistently predicted to be damaging by in-silico tools or highly conserved with a major amino acid change. 0600 - Variant is located in an annotated domain or motif that does not have a well established function (FTCD_N domain; NCBI). 0705 - No comparable variants in relevant codon/region have previous evidence for pathogenicity. 0807 - Variant has not previously been reported in a clinical context. 0905 - No published segregation evidence has been identified for this variant. 1007 - No published functional evidence has been identified for this variant. Legend: (P) - Pathogenic, (N) - Neutral, (B) - Benign

NM_206965.2(FTCD):c.439G>A (p.Glu147Lys)

Genes: FTCD (formimidoyltransferase cyclodeaminase; minus strand), FTCD-AS1 (FTCD antisense RNA 1; plus strand). Cytogenetic location: 21q22.3.
Variant type: single nucleotide variant.
Coding change: c.439G>A on transcript NM_206965.2 (MANE Select); coding-DNA position 439, G replaced by A.
Protein change: p.Glu147Lys; replaces glutamic acid 147 with lysine.
Molecular consequence: missense variant.
Genome position (GRCh38, 1-based): chr21:46,151,909, C>T on the plus strand (G>A on the coding strand, the complement: FTCD is on the minus strand). VCF-style: chr21-46151909-C-T. GRCh37 (hg19) VCF-style: chr21-47571823-C-T.
Other names: c.439G>A, p.Glu147Lys (NM_001320412.2, NM_006657.3); short protein forms E147K.
Identifiers: ClinVar variation 459968 (VCV000459968.11), dbSNP rs754659947, ClinGen allele CA10073911.